The following is an entry in ClinVar:

NM_000535.7(PMS2):c.712del (p.Ser238fs)

Gene: PMS2 (PMS1 homolog 2, mismatch repair system component; minus strand). Cytogenetic location: 7p22.1.
Variant type: Deletion.
Coding change: c.712del on transcript NM_000535.7 (MANE Select); coding-DNA position 712, one base deleted (A; older notation c.712delA).
Protein change: p.Ser238fs; shifts the reading frame from serine 238.
Molecular consequence: frameshift variant. On other transcripts: 5 prime UTR variant (2), non-coding transcript variant (1).
Genome position (GRCh38, 1-based): chr7:5,997,417, T deleted on the plus strand (A on the coding strand, the reverse complement: PMS2 is on the minus strand); the first of 3 consecutive T bases (chr7:5,997,417-5,997,419); deleting any one gives the same sequence. VCF-style (leftmost placement, unchanged base first): chr7-5997416-CT-C. GRCh37 (hg19) VCF-style: chr7-6037047-CT-C.
Other names: c.307del, p.Ser103fs (NM_001322003.2, NM_001322004.2, NM_001322005.2 and 2 more transcripts); c.712del, p.Ser238fs (NM_001322006.2, NM_001322014.2); c.394del, p.Ser132fs (NM_001322007.2, NM_001322008.2); c.-222del (NM_001322011.2, NM_001322012.2); c.139del, p.Ser47fs (NM_001322013.2); c.403del, p.Ser135fs (NM_001322015.2); c.712del (NM_000535.6); short protein forms S103fs, S135fs, S238fs, S132fs, S47fs.
Identifiers: ClinVar variation 492292 (VCV000492292.6), dbSNP rs1554301561, ClinGen allele CA658683475.
Genomic context (GRCh38, chr7:5,997,416, plus strand): 5'-CTCAAACCGTACTCTTCACACACGGAGTCACTAGGGGGCAGCTGAACAAAAGGAATGAGG[CT>C]TTGCAACTGAAAAAAAAAAAAAAAAATTCACAGTTACTTCCTAATAAAGACAGAGTGGAC-3'

ClinVar aggregate classification (germline): Pathogenic (1 of 4 stars; one submission).

Conditions:
Hereditary cancer-predisposing syndrome. Also called: Hereditary neoplastic syndrome; Tumor predisposition; Hereditary Cancer Syndrome; Neoplastic Syndromes, Hereditary. Identifiers: Orphanet 140162, MedGen C0027672, MeSH D009386, MONDO:0015356.

Submission:

Color Diagnostics, LLC DBA Color Health
Classification: Pathogenic for Hereditary cancer-predisposing syndrome. Last evaluated: 2023-12-28. Review status: criteria provided, single submitter. Criteria: ACMG Guidelines, 2015. Collection method: clinical testing. Allele origin: germline.
Comment: This variant deletes 1 nucleotide in exon 7 of the PMS2 gene, creating a frameshift and premature translation stop signal. This variant is expected to result in an absent or non-functional protein product. To our knowledge, this variant has not been reported in individuals affected with hereditary cancer in the literature. This variant has not been identified in the general population by the Genome Aggregation Database (gnomAD). Loss of PMS2 function is a known mechanism of disease. Based on the available evidence, this variant is classified as Pathogenic.